The following is an entry in ClinVar:

ClinVar aggregate classification (germline): Uncertain significance (1 of 4 stars; one submission).

Allele frequency attached by ClinVar (database versions not stated): gnomAD 0.00001.
gnomAD v4.1: 1 of 1,610,884 alleles (0.000062%); highest among the groups gnomAD compares: African/African-American, 0.0013%; no homozygotes.

Submission:

GeneDx
Classification: Uncertain significance. Last evaluated: 2022-06-03. Review status: criteria provided, single submitter. Criteria: GeneDx Variant Classification Process June 2021. Collection method: clinical testing. Allele origin: germline. Affected: yes.
Comment: Not observed at significant frequency in large population cohorts (gnomAD); In silico analysis supports that this missense variant has a deleterious effect on protein structure/function; Has not been previously published as pathogenic or benign to our knowledge

NM_003919.3(SGCE):c.163G>T (p.Gly55Cys)

Genes: CASD1 (CAS1 domain containing 1; plus strand), SGCE (sarcoglycan epsilon; minus strand). Cytogenetic location: 7q21.3.
Variant type: single nucleotide variant.
Coding change: c.163G>T on transcript NM_003919.3 (MANE Select); coding-DNA position 163, G replaced by T.
Protein change: p.Gly55Cys; replaces glycine 55 with cysteine.
Molecular consequence: missense variant. On other transcripts: 5 prime UTR variant (2), intron variant (2).
Genome position (GRCh38, 1-based): chr7:94,629,788, C>A on the plus strand (G>T on the coding strand, the complement: SGCE is on the minus strand). VCF-style: chr7-94629788-C-A. GRCh37 (hg19) VCF-style: chr7-94259100-C-A.
Other names: c.163G>T, p.Gly55Cys (NM_001099400.2, NM_001099401.2, NM_001346717.2); c.271G>T, p.Gly91Cys (NM_001346713.2, NM_001346715.2); c.76G>T, p.Gly26Cys (NM_001346719.2, NM_001362807.2); c.-111G>T (NM_001346720.2, NM_001362808.2); c.110-1429G>T (NM_001362809.2, NM_001301139.2); short protein forms G26C, G55C, G91C.
Identifiers: ClinVar variation 1801894 (VCV001801894.1), dbSNP rs1346358417, ClinGen allele CA368239389.